The following is an entry in ClinVar:

ClinVar aggregate classification (germline): Uncertain significance (1 of 4 stars; one submission).

Submission:

GeneDx
Classification: Uncertain significance. Last evaluated: 2022-04-15. Review status: criteria provided, single submitter. Criteria: GeneDx Variant Classification Process June 2021. Collection method: clinical testing. Allele origin: germline. Affected: yes.
Comment: Not observed at significant frequency in large population cohorts (gnomAD); In silico analysis supports that this missense variant has a deleterious effect on protein structure/function; Has not been previously published as pathogenic or benign to our knowledge

NM_170606.3(KMT2C):c.1367G>A (p.Cys456Tyr)

Gene: KMT2C (lysine methyltransferase 2C; minus strand). Cytogenetic location: 7q36.1.
Variant type: single nucleotide variant.
Coding change: c.1367G>A on transcript NM_170606.3 (MANE Select); coding-DNA position 1367, G replaced by A.
Protein change: p.Cys456Tyr; replaces cysteine 456 with tyrosine.
Molecular consequence: missense variant.
Genome position (GRCh38, 1-based): chr7:152,252,648, C>T on the plus strand (G>A on the coding strand, the complement: KMT2C is on the minus strand). VCF-style: chr7-152252648-C-T. GRCh37 (hg19) VCF-style: chr7-151949733-C-T.
Other names: short protein forms C456Y.
Identifiers: ClinVar variation 1710667 (VCV001710667.2), dbSNP rs2485859665, ClinGen allele CA370087454.